The following is an entry in ClinVar:

ClinVar aggregate classification (germline): Pathogenic (1 of 4 stars; one submission).

Conditions:
Hereditary nonpolyposis colorectal neoplasms. Identifiers: MedGen C0009405, MeSH D003123.

Submission:

Labcorp Genetics (formerly Invitae), Labcorp
Classification: Pathogenic for Hereditary nonpolyposis colorectal neoplasms. Last evaluated: 2024-11-11. Review status: criteria provided, single submitter. Criteria: Invitae Variant Classification Sherloc (09022015). Collection method: clinical testing. Allele origin: germline.
Comment: This sequence change creates a premature translational stop signal (p.Ala36Leufs*45) in the MSH6 gene. It is expected to result in an absent or disrupted protein product. Loss-of-function variants in MSH6 are known to be pathogenic (PMID: 18269114, 24362816). This variant is not present in population databases (gnomAD no frequency). This variant has not been reported in the literature in individuals affected with MSH6-related conditions. ClinVar contains an entry for this variant (Variation ID: 2130495). For these reasons, this variant has been classified as Pathogenic.

Literature cited by the submitters: PubMed 18269114; PubMed 24362816.

NM_000179.3(MSH6):c.106del (p.Ala36fs)

Gene: MSH6 (mutS homolog 6; plus strand). Cytogenetic location: 2p16.3.
Variant type: Deletion.
Coding change: c.106del on transcript NM_000179.3 (MANE Select); coding-DNA position 106, one base deleted (G; older notation c.106delG).
Protein change: p.Ala36fs; shifts the reading frame from alanine 36.
Molecular consequence: frameshift variant. On other transcripts: 5 prime UTR variant (1).
Genome position (GRCh38, 1-based): chr2:47,783,339, G deleted. VCF-style (leftmost placement, unchanged base first): chr2-47783338-CG-C. GRCh37 (hg19) VCF-style: chr2-48010477-CG-C.
Other names: c.106del, p.Ala36fs (NM_001281492.2); c.-631del (NM_001281493.2); c.106delG, p.Ala36Leufs (NM_001406795.1, NM_001406796.1, NM_001406798.1 and 8 more transcripts); c.-223delG (NM_001406799.1); c.51delG, p.Leu18Cysfs (NM_001406804.1); c.-823delG (NM_001406807.1); c.-631delG (NM_001406811.1); c.-478delG (NM_001406812.1); and 2 more; short protein forms A36fs.
Identifiers: ClinVar variation 2130495 (VCV002130495.4), dbSNP rs2530317186, ClinGen allele CA2580067002.
Genomic context (GRCh38, chr2:47,783,338, plus strand): 5'-GGCGCTGAGTGATGCCAACAAGGCCTCGGCCAGGGCCTCACGCGAAGGCGGCCGTGCCGC[CG>C]CTGCCCCCGGGGCCTCTCCTTCCCCAGGCGGGGATGCGGCCTGGAGCGAGGCTGGGCCTG-3'